The following is an entry in ClinVar:

NM_001360.3(DHCR7):c.627C>A (p.Cys209Ter)

Gene: DHCR7 (7-dehydrocholesterol reductase; minus strand). Cytogenetic location: 11q13.4.
Variant type: single nucleotide variant.
Coding change: c.627C>A on transcript NM_001360.3 (MANE Select); coding-DNA position 627, C replaced by A.
Protein change: p.Cys209Ter; replaces cysteine 209 with a stop codon.
Molecular consequence: nonsense.
Genome position (GRCh38, 1-based): chr11:71,439,083, G>T on the plus strand (C>A on the coding strand, the complement: DHCR7 is on the minus strand). VCF-style: chr11-71439083-G-T. GRCh37 (hg19) VCF-style: chr11-71150129-G-T.
Other names: c.627C>A, p.Cys209Ter (NM_001163817.2); short protein forms C209*.
Identifiers: ClinVar variation 983645 (VCV000983645.3), dbSNP rs1949322246, ClinGen allele CA381703982.

ClinVar aggregate classification (germline): Likely pathogenic (1 of 4 stars; one submission).

Conditions:
Smith-Lemli-Opitz syndrome (SLOS). Also called: POLYDACTYLY, SEX REVERSAL, RENAL HYPOPLASIA, AND UNILOBAR LUNG; RSH SYNDROME; RUTLEDGE LETHAL MULTIPLE CONGENITAL ANOMALY SYNDROME; 7-Dehydrocholesterol reductase deficiency; LETHAL ACRODYSGENITAL SYNDROME. Identifiers: Orphanet 818, MedGen C0175694, MONDO:0010035, OMIM 270400.

Submission:

Myriad Genetics, Inc.
Classification: Likely pathogenic for Smith-Lemli-Opitz syndrome. Last evaluated: 2020-01-30. Review status: criteria provided, single submitter. Criteria: Myriad Women's Health Autosomal Recessive and X-Linked Classification Criteria (2019). Collection method: clinical testing. Allele origin: unknown.
Comment: NM_001360.2(DHCR7):c.627C>A(C209*) is expected to be pathogenic in the context of Smith-Lemli-Opitz syndrome. This variant is predicted to lead to an abnormal or absent protein product due to the creation of a premature termination codon in DHCR7, a gene where loss-of-function variants are known to be pathogenic. Please note: this variant was assessed in the context of healthy population screening.